The following is an entry in ClinVar:

ClinVar aggregate classification (germline): Uncertain significance. Review status: criteria provided, multiple submitters, no conflicts (2 of 4 stars). 3 submissions from 3 submitters: Uncertain significance (3). Last evaluated 2025-12-21.

Conditions:
Cardiovascular phenotype. Identifiers: MedGen CN230736.

Allele frequency attached by ClinVar (database versions not stated): gnomAD exomes 0.00001; TOPMed 0.00001; ExAC 0.00002.
gnomAD v4.1: 11 of 1,603,168 alleles (0.00069%); highest among the groups gnomAD compares: Non-Finnish European, 0.00094%; no homozygotes.

Submissions (3):

Labcorp Genetics (formerly Invitae), Labcorp
Classification: Uncertain significance. Last evaluated: 2025-12-21. Review status: criteria provided, single submitter. Criteria: Invitae Variant Classification Sherloc (09022015). Collection method: clinical testing. Allele origin: germline.
Comment: This sequence change replaces histidine, which is basic and polar, with tyrosine, which is neutral and polar, at codon 438 of the TBX20 protein (p.His438Tyr). This variant is present in population databases (rs754183380, gnomAD 0.002%). This variant has not been reported in the literature in individuals affected with TBX20-related conditions. ClinVar contains an entry for this variant (Variation ID: 1698357). An algorithm developed to predict the effect of missense changes on protein structure and function (PolyPhen-2) suggests that this variant is likely to be tolerated. In summary, the available evidence is currently insufficient to determine the role of this variant in disease. Therefore, it has been classified as a Variant of Uncertain Significance.

Ambry Genetics
Classification: Uncertain significance for Cardiovascular phenotype. Last evaluated: 2024-10-14. Review status: criteria provided, single submitter. Criteria: Ambry Variant Classification Scheme 2023. Collection method: clinical testing. Allele origin: germline.
Comment: The p.H438Y variant (also known as c.1312C>T), located in coding exon 8 of the TBX20 gene, results from a C to T substitution at nucleotide position 1312. The histidine at codon 438 is replaced by tyrosine, an amino acid with similar properties. This amino acid position is conserved. In addition, this alteration is predicted to be deleterious by in silico analysis. Based on the available evidence, the clinical significance of this variant remains unclear.

GeneDx
Classification: Uncertain significance. Last evaluated: 2022-01-21. Review status: criteria provided, single submitter. Criteria: GeneDx Variant Classification Process June 2021. Collection method: clinical testing. Allele origin: germline. Affected: yes.
Comment: Has not been previously published as pathogenic or benign to our knowledge; Not observed at significant frequency in large population cohorts (gnomAD); In silico analysis supports that this missense variant does not alter protein structure/function

NM_001077653.2(TBX20):c.1312C>T (p.His438Tyr)

Gene: TBX20 (T-box transcription factor 20; minus strand). Cytogenetic location: 7p14.2.
Variant type: single nucleotide variant.
Coding change: c.1312C>T on transcript NM_001077653.2 (MANE Select); coding-DNA position 1312, C replaced by T.
Protein change: p.His438Tyr; replaces histidine 438 with tyrosine.
Molecular consequence: missense variant.
Genome position (GRCh38, 1-based): chr7:35,202,462, G>A on the plus strand (C>T on the coding strand, the complement: TBX20 is on the minus strand). VCF-style: chr7-35202462-G-A. GRCh37 (hg19) VCF-style: chr7-35242074-G-A.
Other names: short protein forms H438Y.
Identifiers: ClinVar variation 1698357 (VCV001698357.4), dbSNP rs754183380, ClinGen allele CA4217316.
Genomic context (GRCh38, chr7:35,202,462, plus strand): 5'-GATCTGGATTCTCCCATTTTTAGAAGAGTCATACAAATGGCGTCATCACAGCAGAGGAAT[G>A]GCGTAGTCCTTGAATGGCAGCATAGGGCCCCTGCTGAAAATAGTGATGGTATCGCGGCAT-3'
Protein context (NP_001071121.1, residues 428-447): GPYAAIQGLR[His438Tyr]SSAVMTPFV